The following is an entry in ClinVar:

ClinVar aggregate classification (germline): Benign. Review status: criteria provided, multiple submitters, no conflicts (2 of 4 stars). 7 submissions from 6 submitters: Benign (6). 1 of the submissions does not count toward it. Last evaluated 2026-01-03.

Conditions:
HSPG2-related disorder. Also called: HSPG2-related condition; HSPG2-related disorders.
Lethal Kniest-like syndrome (DDSH). Also called: Dyssegmental Dysplasia. Identifiers: Orphanet 1865, MedGen C1857100, MONDO:0009140, OMIM 224410.
Schwartz-Jampel syndrome. Also called: Myotonic myopathy dwarfism chondrodystrophy and ocular and facial abnormalities. Identifiers: Orphanet 800, MedGen C0036391, MONDO:0009717.
Connective tissue disorder. Also called: Connective tissue disease. Identifiers: MedGen C0009782, MONDO:0003900.

Allele frequency attached by ClinVar (database versions not stated): TOPMed 0.00061; 1000 Genomes Project 30x 0.00062; 1000 Genomes Project 0.00080; ExAC 0.00090; ESP Exome Variant Server 0.00095; gnomAD exomes 0.00176 and 0.00337; gnomAD 0.00302 and 0.00319.
gnomAD v4.1: 2,897 of 1,551,072 alleles (0.19%); highest among the groups gnomAD compares: Non-Finnish European, 0.11%; 20 homozygotes.

Submissions (7):

Labcorp Genetics (formerly Invitae), Labcorp
Classification: Benign. Last evaluated: 2026-01-03. Review status: criteria provided, single submitter. Criteria: Invitae Variant Classification Sherloc (09022015). Collection method: clinical testing. Allele origin: germline.

Genome Diagnostics Laboratory, The Hospital for Sick Children
Classification: Benign for Connective tissue disorder. Last evaluated: 2021-08-18. Review status: criteria provided, single submitter. Criteria: ACMG Guidelines, 2015. Collection method: clinical testing. Allele origin: germline.

GeneDx
Classification: Benign. Last evaluated: 2021-03-23. Review status: criteria provided, single submitter. Criteria: GeneDx Variant Classification Process June 2021. Collection method: clinical testing. Allele origin: germline. Affected: yes.
Comment: This variant is associated with the following publications: (PMID: 25504735)

Athena Diagnostics
Classification: Benign. Last evaluated: 2017-12-05. Review status: criteria provided, single submitter. Criteria: Athena Diagnostics Criteria. Collection method: clinical testing. Allele origin: germline.

Illumina Laboratory Services, Illumina
Classification: Benign for Lethal Kniest-like syndrome. Last evaluated: 2017-06-16. Review status: criteria provided, single submitter. Criteria: ICSL Variant Classification Criteria 13 December 2019. Collection method: clinical testing. Allele origin: germline.
Comment: This variant was observed as part of a predisposition screen in an ostensibly healthy population. A literature search was performed for the gene, cDNA change, and amino acid change (where applicable). No publications were found based on this search. Allele frequency data from public databases was too high to be consistent with this variant causing disease. Therefore, this variant is classified as benign.

Illumina Laboratory Services, Illumina
Classification: Benign for Schwartz-Jampel syndrome type 1. Last evaluated: 2017-06-16. Review status: criteria provided, single submitter. Criteria: ICSL Variant Classification Criteria 13 December 2019. Collection method: clinical testing. Allele origin: germline.
Comment: the same text as in the submission from Illumina Laboratory Services, Illumina above.

PreventionGenetics, part of Exact Sciences
Classification: Benign for HSPG2-related condition. Last evaluated: 2020-03-18. Review status: no assertion criteria provided. Collection method: clinical testing. Allele origin: germline. Not counted in ClinVar's aggregate classification.
Comment: This variant is classified as benign based on ACMG/AMP sequence variant interpretation guidelines (Richards et al. 2015 PMID: 25741868, with internal and published modifications).

NM_005529.7(HSPG2):c.12220C>T (p.Arg4074Cys)

Gene: HSPG2 (heparan sulfate proteoglycan 2; minus strand). Cytogenetic location: 1p36.12.
Variant type: single nucleotide variant.
Coding change: c.12220C>T on transcript NM_005529.7 (MANE Select); coding-DNA position 12220, C replaced by T.
Protein change: p.Arg4074Cys; replaces arginine 4074 with cysteine.
Molecular consequence: missense variant.
Genome position (GRCh38, 1-based): chr1:21,828,852, G>A on the plus strand (C>T on the coding strand, the complement: HSPG2 is on the minus strand). VCF-style: chr1-21828852-G-A. GRCh37 (hg19) VCF-style: chr1-22155345-G-A.
Other names: c.12223C>T, p.Arg4075Cys (NM_001291860.2); short protein forms R4074C, R4075C.
Identifiers: ClinVar variation 447539 (VCV000447539.22), dbSNP rs140139732, ClinGen allele CA669499.
Genomic context (GRCh38, chr1:21,828,852, plus strand): 5'-GGCACCCCTCCCCTCCCGCTTGTCCCGAGGAGGCTGCTCTTACCTCGCCCACACAGCCGC[G>A]GAAGTGAGCGCTCATGTTGGTGGCCGGGGACAGTGGCACGGAAGGCTCCACACCCCCCAG-3'
Protein context (NP_005520.4, residues 4064-4084): SPATNMSAHF[Arg4074Cys]GCVGEVSVNG